The following is an entry in ClinVar:

NM_004004.6(GJB2):c.518C>G (p.Pro173Arg)

Gene: GJB2 (gap junction protein beta 2; minus strand). Cytogenetic location: 13q12.11.
Variant type: single nucleotide variant.
Coding change: c.518C>G on transcript NM_004004.6 (MANE Select); coding-DNA position 518, C replaced by G.
Protein change: p.Pro173Arg; replaces proline 173 with arginine.
Molecular consequence: missense variant.
Genome position (GRCh38, 1-based): chr13:20,189,064, G>C on the plus strand (C>G on the coding strand, the complement: GJB2 is on the minus strand). VCF-style: chr13-20189064-G-C. GRCh37 (hg19) VCF-style: chr13-20763203-G-C.
Other names: short protein forms P173R.
Identifiers: ClinVar variation 2137453 (VCV002137453.4), dbSNP rs1555341843, ClinGen allele CA387460984.

ClinVar aggregate classification (germline): Likely pathogenic (1 of 4 stars; one submission).

Submission:

Labcorp Genetics (formerly Invitae), Labcorp
Classification: Likely pathogenic. Last evaluated: 2022-03-02. Review status: criteria provided, single submitter. Criteria: Invitae Variant Classification Sherloc (09022015). Collection method: clinical testing. Allele origin: germline.
Comment: In summary, the currently available evidence indicates that the variant is pathogenic, but additional data are needed to prove that conclusively. Therefore, this variant has been classified as Likely Pathogenic. This variant disrupts the p.Pro173 amino acid residue in GJB2. Other variant(s) that disrupt this residue have been determined to be pathogenic (PMID: 15855033). This suggests that this residue is clinically significant, and that variants that disrupt this residue are likely to be disease-causing. Experimental studies are conflicting or provide insufficient evidence to determine the effect of this variant on GJB2 function (PMID: 12189493). Advanced modeling of protein sequence and biophysical properties (such as structural, functional, and spatial information, amino acid conservation, physicochemical variation, residue mobility, and thermodynamic stability) performed at Invitae indicates that this missense variant is expected to disrupt GJB2 protein function. This missense change has been observed in individual(s) with deafness (PMID: 10982180). This variant is not present in population databases (gnomAD no frequency). This sequence change replaces proline, which is neutral and non-polar, with arginine, which is basic and polar, at codon 173 of the GJB2 protein (p.Pro173Arg).

Literature cited by the submitters: PubMed 15855033; PubMed 12189493; PubMed 10982180.